The following is an entry in ClinVar:

ClinVar aggregate classification (germline): Pathogenic. Review status: criteria provided, single submitter (1 of 4 stars). 3 submissions from 3 submitters: Pathogenic (1). 2 of the submissions do not count toward it. Last evaluated 2021-08-11.

Conditions:
Alzheimer disease 3 (AD3). Also called: ALZHEIMER DISEASE, FAMILIAL, 3. Identifiers: Orphanet 1020, MedGen C1843013, MONDO:0011913, OMIM 607822.

Submissions (3):

Athena Diagnostics
Classification: Pathogenic. Last evaluated: 2021-08-11. Review status: criteria provided, single submitter. Criteria: Athena Diagnostics Criteria. Collection method: clinical testing. Allele origin: unknown.
Comment: This variant is expected to severely impact normal RNA splicing, and consequently, protein structure and/or function. This variant has not been reported in large, multi-ethnic general populations. Assessment of experimental evidence suggests this variant results in abnormal RNA splicing, and subsequent abnormal protein function. Studies show the altered protein results in increased amyloid-beta-42 secretion, and overall reduced gamma-secretase activity (PMID: 10401002, 26481686, 32395715). This variant has been identified in multiple unrelated individuals with clinical features associated with this gene. This variant appears to be associated with disease in at least one family.

OMIM
Classification: Pathogenic for ALZHEIMER DISEASE, FAMILIAL, 3. Last evaluated: 1999-08-01. Review status: no assertion criteria provided. Collection method: literature only. Allele origin: germline. Not counted in ClinVar's aggregate classification.

VIB  Department of Molecular Genetics, University of Antwerp
No classification provided. Review status: no classification provided. Collection method: not provided. Allele origin: not provided. Not counted in ClinVar's aggregate classification.

Literature cited by the submitters: PubMed 10401002 (cited by Athena Diagnostics and OMIM); PubMed 12552037 (cited by Athena Diagnostics); PubMed 11524469 (cited by Athena Diagnostics); PubMed 27777022 (cited by Athena Diagnostics); PubMed 24880964 (cited by Athena Diagnostics); PubMed 26481686 (cited by Athena Diagnostics); PubMed 32395715 (cited by Athena Diagnostics); PubMed 10775535 (cited by Athena Diagnostics); PubMed 34319632 (cited by Athena Diagnostics); PubMed 30590039 (cited by Athena Diagnostics); PubMed 9443865 (cited by Athena Diagnostics and OMIM).

NM_000021.4(PSEN1):c.338+1del

Gene: PSEN1 (presenilin 1; plus strand). Cytogenetic location: 14q24.2.
Variant type: Deletion.
Coding change: c.338+1del on transcript NM_000021.4 (MANE Select); the canonical splice donor site of the intron after coding-DNA position 338, one base deleted (G; older notation c.338+1delG).
Molecular consequence: splice donor variant.
Genome position (GRCh38, 1-based): chr14:73,171,048, G deleted. VCF-style (leftmost placement, unchanged base first): chr14-73171047-TG-T. GRCh37 (hg19) VCF-style: chr14-73637755-TG-T.
Other names: c.326+1del (NM_007318.3).
Identifiers: ClinVar variation 98013 (VCV000098013.3), dbSNP rs63751475, ClinGen allele CA224999.
Genomic context (GRCh38, chr14:73,171,047, plus strand): 5'-TGGTGGTGGTCGTGGCTACCATTAAGTCAGTCAGCTTTTATACCCGGAAGGATGGGCAGC[TG>T]TACGTATGAGTTTTGTTTTATTATTCTCAAAGCCAGTGTGGCTTTTCTTTACAGCATGTC-3'